The following is an entry in ClinVar:

ClinVar aggregate classification (germline): Uncertain significance. Review status: criteria provided, multiple submitters, no conflicts (2 of 4 stars). 2 submissions from 2 submitters: Uncertain significance (2). Last evaluated 2026-01-05.

Conditions:
Koolen-de Vries syndrome (KDVS). Identifiers: Orphanet 96169, MedGen C1864871, MONDO:0012496, OMIM 610443.

Submissions (2):

Labcorp Genetics (formerly Invitae), Labcorp
Classification: Uncertain significance for Koolen-de Vries syndrome. Last evaluated: 2026-01-05. Review status: criteria provided, single submitter. Criteria: Invitae Variant Classification Sherloc (09022015). Collection method: clinical testing. Allele origin: germline.
Comment: This sequence change replaces histidine, which is basic and polar, with tyrosine, which is neutral and polar, at codon 724 of the KANSL1 protein (p.His724Tyr). This variant is not present in population databases (gnomAD no frequency). This variant has not been reported in the literature in individuals affected with KANSL1-related conditions. ClinVar contains an entry for this variant (Variation ID: 1715202). Invitae Evidence Modeling of protein sequence and biophysical properties (such as structural, functional, and spatial information, amino acid conservation, physicochemical variation, residue mobility, and thermodynamic stability) indicates that this missense variant is not expected to disrupt KANSL1 protein function with a negative predictive value of 80%. Algorithms developed to predict the effect of sequence changes on RNA splicing suggest that this variant may disrupt the consensus splice site. In summary, the available evidence is currently insufficient to determine the role of this variant in disease. Therefore, it has been classified as a Variant of Uncertain Significance.

GeneDx
Classification: Uncertain significance. Last evaluated: 2025-03-31. Review status: criteria provided, single submitter. Criteria: GeneDx Variant Classification Process June 2021. Collection method: clinical testing. Allele origin: germline. Affected: yes.
Comment: Not observed at significant frequency in large population cohorts (gnomAD); In silico analysis supports a deleterious effect on splicing; In silico analysis indicates that this missense variant does not alter protein structure/function; Has not been previously published as pathogenic or benign to our knowledge

NM_015443.4(KANSL1):c.2170C>T (p.His724Tyr)

Gene: KANSL1 (KAT8 regulatory NSL complex subunit 1). Cytogenetic location: 17q21.31.
Variant type: single nucleotide variant.
Coding change: c.2170C>T on transcript NM_015443.4 (MANE Select); coding-DNA position 2170, C replaced by T.
Protein change: p.His724Tyr; replaces histidine 724 with tyrosine.
Molecular consequence: missense variant.
Genome position (GRCh38, 1-based): chr17:46,039,735, G>A on the plus strand (C>T on the coding strand, the complement: KANSL1 is on the minus strand). VCF-style: chr17-46039735-G-A. GRCh37 (hg19) VCF-style: chr17-44117101-G-A.
Other names: c.2170C>T, p.His724Tyr (NM_001193465.2, NM_001193466.2, NM_001379198.1 and 14 more transcripts); c.2068C>T, p.His690Tyr (NM_001405859.1, NM_001405860.1, NM_001405861.1 and 1 more transcripts); c.2170C>T (NM_001193466.1); c.904C>T, p.His302Tyr (NM_001405882.1, NM_001405883.1, NM_001405884.1 and 1 more transcripts); short protein forms H302Y, H690Y, H724Y.
Identifiers: ClinVar variation 1715202 (VCV001715202.6), dbSNP rs2510498839, ClinGen allele CA399982055.
Genomic context (GRCh38, chr17:46,039,735, plus strand): 5'-GGGACTTCCCGGCTCCCTGACACTTACTGGCTGTTGTTAGGAAGGAGCTGACCAATTTGT[G>A]CCTGTCCTTACGAGCTGAATCTGGCAGACTGCCCGGCATGGGTGCTCTGTGCTTAAGCGA-3'
Protein context (NP_056258.1, residues 714-734): SLPDSARKDR[His724Tyr]KLVSSFLTTA